The following is an entry in ClinVar:

ClinVar aggregate classification (germline): Pathogenic (1 of 4 stars; one submission).

Submission:

Labcorp Genetics (formerly Invitae), Labcorp
Classification: Pathogenic. Last evaluated: 2020-11-06. Review status: criteria provided, single submitter. Criteria: Invitae Variant Classification Sherloc (09022015). Collection method: clinical testing. Allele origin: germline.
Comment: This sequence change creates a premature translational stop signal (p.Gln323*) in the CYP17A1 gene. It is expected to result in an absent or disrupted protein product. This variant is not present in population databases (ExAC no frequency). This variant has not been reported in the literature in individuals with CYP17A1-related conditions. Loss-of-function variants in CYP17A1 are known to be pathogenic (PMID: 17192295, 20197673, 24140098). For these reasons, this variant has been classified as Pathogenic.

Literature cited by the submitters: PubMed 17192295; PubMed 20197673; PubMed 24140098.

NM_000102.4(CYP17A1):c.967C>T (p.Gln323Ter)

Genes: CYP17A1 (cytochrome P450 family 17 subfamily A member 1; minus strand), CYP17A1-AS1 (CYP17A1 antisense RNA 1; plus strand). Cytogenetic location: 10q24.32.
Variant type: single nucleotide variant.
Coding change: c.967C>T on transcript NM_000102.4 (MANE Select); coding-DNA position 967, C replaced by T.
Protein change: p.Gln323Ter; replaces glutamine 323 with a stop codon.
Molecular consequence: nonsense.
Genome position (GRCh38, 1-based): chr10:102,832,995, G>A on the plus strand (C>T on the coding strand, the complement: CYP17A1 is on the minus strand). VCF-style: chr10-102832995-G-A. GRCh37 (hg19) VCF-style: chr10-104592752-G-A.
Other names: short protein forms Q323*.
Identifiers: ClinVar variation 1454713 (VCV001454713.6), dbSNP rs2134082641, ClinGen allele CA377939033.